The following is an entry in ClinVar:

ClinVar aggregate classification (germline): Pathogenic. Review status: criteria provided, single submitter (1 of 4 stars). 2 submissions from 2 submitters: Pathogenic (1). 1 of the submissions does not count toward it. Last evaluated 2024-04-03.

Conditions:
Nephrotic syndrome, type 3 (NPHS3). Also called: NEPHROTIC SYNDROME, EARLY-ONSET, TYPE 3. Identifiers: Orphanet 656, MedGen C1853124, MONDO:0012546, OMIM 610725.

Submissions (2):

MVZ Medizinische Genetik Mainz
Classification: Pathogenic for Nephrotic syndrome, type 3. Last evaluated: 2024-04-03. Review status: criteria provided, single submitter. Criteria: UK Practice Guidelines For Variant Classification V4 01 2020. Collection method: clinical testing. Allele origin: germline. Inheritance: Autosomal recessive inheritance. Affected: yes. Observed: 1 variant allele.
Comment: ACMG Criteria: PVS1,PM3,PM2_SUP

OMIM
Classification: Pathogenic for NEPHROTIC SYNDROME, TYPE 3. Last evaluated: 2006-12-01. Review status: no assertion criteria provided. Collection method: literature only. Allele origin: germline. Not counted in ClinVar's aggregate classification.

Literature cited by the submitters: PubMed 17086182 (cited by OMIM).

NM_016341.4(PLCE1):c.3846del (p.Leu1283fs)

Gene: PLCE1 (phospholipase C epsilon 1; plus strand). Cytogenetic location: 10q23.33.
Variant type: Deletion.
Coding change: c.3846del on transcript NM_016341.4 (MANE Select); coding-DNA position 3846, one base deleted (G; older notation c.3846delG).
Protein change: p.Leu1283fs; shifts the reading frame from leucine 1283.
Molecular consequence: frameshift variant.
Genome position (GRCh38, 1-based): chr10:94,262,525, G deleted; the last of 4 consecutive G bases (chr10:94,262,522-94,262,525); deleting any one gives the same sequence. VCF-style (leftmost placement, unchanged base first): chr10-94262521-TG-T. GRCh37 (hg19) VCF-style: chr10-96022278-TG-T.
Other names: c.2922del, p.Leu975fs (NM_001165979.2); c.3798del, p.Leu1267fs (NM_001288989.2); short protein forms L1267fs, L1283fs, L975fs.
Identifiers: ClinVar variation 2347 (VCV000002347.3), dbSNP rs876657370, ClinGen allele CA10575470.
Genomic context (GRCh38, chr10:94,262,521, plus strand): 5'-TCTTGTCCATGTACTGTGGTGATTCTGTTTCAGATCTGTTGACCAGAAATGTCTCGGATT[TG>T]GGGTTGTTCATTAAGAGTAAACAGCAGCTATCGGACAACCAGAGGCAGATATCTGATGCC-3'